The following is an entry in ClinVar:

NM_080473.5(GATA5):c.313G>C (p.Gly105Arg)

Gene: GATA5 (GATA binding protein 5; minus strand). Cytogenetic location: 20q13.33.
Variant type: single nucleotide variant.
Coding change: c.313G>C on transcript NM_080473.5 (MANE Select); coding-DNA position 313, G replaced by C.
Protein change: p.Gly105Arg; replaces glycine 105 with arginine.
Molecular consequence: missense variant.
Genome position (GRCh38, 1-based): chr20:62,475,209, C>G on the plus strand (G>C on the coding strand, the complement: GATA5 is on the minus strand). VCF-style: chr20-62475209-C-G. GRCh37 (hg19) VCF-style: chr20-61050265-C-G.
Other names: short protein forms G105R.
Identifiers: ClinVar variation 4809020 (VCV004809020.1).

ClinVar aggregate classification (germline): Uncertain significance (1 of 4 stars; one submission).

Submission:

Labcorp Genetics (formerly Invitae), Labcorp
Classification: Uncertain significance. Last evaluated: 2025-10-05. Review status: criteria provided, single submitter. Criteria: Invitae Variant Classification Sherloc (09022015). Collection method: clinical testing. Allele origin: germline.
Comment: This sequence change replaces glycine, which is neutral and non-polar, with arginine, which is basic and polar, at codon 105 of the GATA5 protein (p.Gly105Arg). This variant is not present in population databases (gnomAD no frequency). This variant has not been reported in the literature in individuals affected with GATA5-related conditions. Invitae Evidence Modeling of protein sequence and biophysical properties (such as structural, functional, and spatial information, amino acid conservation, physicochemical variation, residue mobility, and thermodynamic stability) indicates that this missense variant is not expected to disrupt GATA5 protein function with a negative predictive value of 80%. In summary, the available evidence is currently insufficient to determine the role of this variant in disease. Therefore, it has been classified as a Variant of Uncertain Significance.